The following is an entry in ClinVar:

NM_018240.7(KIRREL1):c.1756C>T (p.Arg586Cys)

Genes: KIRREL1 (kirre like nephrin family adhesion molecule 1; plus strand), LOC126805884 (BRD4-independent group 4 enhancer GRCh37_chr1:158063276-158064475; plus strand). Cytogenetic location: 1q23.1.
Variant type: single nucleotide variant.
Coding change: c.1756C>T on transcript NM_018240.7 (MANE Select); coding-DNA position 1756, C replaced by T.
Protein change: p.Arg586Cys; replaces arginine 586 with cysteine.
Molecular consequence: missense variant.
Genome position (GRCh38, 1-based): chr1:158,094,349, C>T. VCF-style: chr1-158094349-C-T. GRCh37 (hg19) VCF-style: chr1-158064139-C-T.
Other names: c.1456C>T, p.Arg486Cys (NM_001286349.2); short protein forms R486C, R586C.
Identifiers: ClinVar variation 2634900 (VCV002634900.1), dbSNP rs143303568, ClinGen allele CA1177783.

ClinVar aggregate classification (germline): Uncertain significance (1 of 4 stars; one submission).

Conditions:
KIRREL1-related disorder. Also called: KIRREL1-related condition.

Allele frequency attached by ClinVar (database versions not stated): 1000 Genomes Project 30x 0.00016; 1000 Genomes Project 0.00020.
gnomAD v4.1: 21 of 1,611,922 alleles (0.0013%); highest among the groups gnomAD compares: Middle Eastern, 0.017%; no homozygotes.

Submission:

PreventionGenetics, part of Exact Sciences
Classification: Uncertain significance for KIRREL1-related condition. Last evaluated: 2022-12-19. Review status: criteria provided, single submitter. Criteria: ACMG Guidelines, 2015. Collection method: clinical testing. Allele origin: germline.
Comment: The KIRREL1 c.1756C>T variant is predicted to result in the amino acid substitution p.Arg586Cys. To our knowledge, this variant has not been reported in the literature. This variant is reported in 0.0086% of alleles in individuals of Latino descent in gnomAD. At this time, the clinical significance of this variant is uncertain due to the absence of conclusive functional and genetic evidence.